The following is an entry in ClinVar:

NM_001369268.1(ACAN):c.4714G>A (p.Gly1572Arg)

Gene: ACAN (aggrecan; plus strand). Cytogenetic location: 15q26.1.
Variant type: single nucleotide variant.
Coding change: c.4714G>A on transcript NM_001369268.1 (MANE Select); coding-DNA position 4714, G replaced by A.
Protein change: p.Gly1572Arg; replaces glycine 1572 with arginine.
Molecular consequence: missense variant.
Genome position (GRCh38, 1-based): chr15:88,857,299, G>A. VCF-style: chr15-88857299-G-A. GRCh37 (hg19) VCF-style: chr15-89400530-G-A.
Other names: c.4714G>A, p.Gly1572Arg (NM_001135.4, NM_001411096.1, NM_001411097.1 and 1 more transcripts); short protein forms G1572R.
Identifiers: ClinVar variation 4885884 (VCV004885884.2).

ClinVar aggregate classification (germline): Uncertain significance (1 of 4 stars; one submission).

gnomAD v4.1: 1 of 1,613,958 alleles (0.000062%); highest among the groups gnomAD compares: East Asian, 0.0022%; no homozygotes.

Submission:

Dasa
Classification: Uncertain significance. Last evaluated: 2026-03-03. Review status: criteria provided, single submitter. Criteria: DASA Assertion Criteria. Collection method: clinical testing. Allele origin: germline.
Comment: NM_001369268.1(ACAN):c.4714G>A (p.Gly1572Arg) is a missense variant that results in the substitution of glycine with arginine. This variant is rare in population databases. Computational prediction algorithms are consistent with a deleterious effect. The currently available literature and clinical evidence are not sufficient to establish a definitive association between this variant and the reported condition. Therefore, this variant is classified as a variant of uncertain significance.